The following is an entry in ClinVar:

ClinVar aggregate classification (germline): Uncertain significance. Review status: criteria provided, single submitter (1 of 4 stars). 2 submissions from 2 submitters: Uncertain significance (1). 1 of the submissions does not count toward it. Last evaluated 2017-09-28.

Conditions:
Rare genetic intellectual disability. Identifiers: Orphanet 183757, MedGen C5680527.

Submissions (2):

GeneDx
Classification: Uncertain significance. Last evaluated: 2017-09-28. Review status: criteria provided, single submitter. Criteria: GeneDx Variant Classification (06012015). Collection method: clinical testing. Allele origin: germline. Affected: yes.
Comment: The A778V variant has not been published as a pathogenic variant, nor has it been reported as a benign variant to our knowledge. The A778V variant is not observed in large population cohorts (Lek et al., 2016). This variant is a conservative amino acid substitution, which is not likely to impact secondary protein structure as these residues share similar properties. This substitution occurs at a position that is not conserved. However, in silico analysis is inconsistent in its predictions as to whether or not the variant is damaging to the protein structure/function.

Service de Génétique Moléculaire, Hôpital Robert Debré
Classification: Likely pathogenic for Rare genetic intellectual disability. Review status: no assertion criteria provided. Collection method: clinical testing. Allele origin: de novo. Affected: yes. Not counted in ClinVar's aggregate classification.

NM_015335.5(MED13L):c.2333C>T (p.Ala778Val)

Gene: MED13L (mediator complex subunit 13L; minus strand). Cytogenetic location: 12q24.21.
Variant type: single nucleotide variant.
Coding change: c.2333C>T on transcript NM_015335.5 (MANE Select); coding-DNA position 2333, C replaced by T.
Protein change: p.Ala778Val; replaces alanine 778 with valine.
Molecular consequence: missense variant.
Genome position (GRCh38, 1-based): chr12:116,006,317, G>A on the plus strand (C>T on the coding strand, the complement: MED13L is on the minus strand). VCF-style: chr12-116006317-G-A. GRCh37 (hg19) VCF-style: chr12-116444122-G-A.
Other names: short protein forms A778V.
Identifiers: ClinVar variation 452217 (VCV000452217.3), dbSNP rs1555247422, ClinGen allele CA386893304.